The following is an entry in ClinVar:

ClinVar aggregate classification (germline): Uncertain significance. Review status: criteria provided, multiple submitters, no conflicts (2 of 4 stars). 2 submissions from 2 submitters: Uncertain significance (2). Last evaluated 2024-09-10.

Conditions:
Congenital disorder of glycosylation, type Iaa. Also called: Congenital disorder of glycosylation, type 1aa. Identifiers: MedGen C4310727, MONDO:0014904, OMIM 617082.
Inborn genetic diseases. Identifiers: MedGen C0950123, MeSH D030342.

Allele frequency attached by ClinVar (database versions not stated): gnomAD exomes 0.00004; TOPMed 0.00004; gnomAD 0.00005.
gnomAD v4.1: 57 of 1,508,260 alleles (0.0038%); highest among the groups gnomAD compares: African/African-American, 0.0069%; no homozygotes.

Submissions (2):

Labcorp Genetics (formerly Invitae), Labcorp
Classification: Uncertain significance for Congenital disorder of glycosylation, type Iaa. Last evaluated: 2024-09-10. Review status: criteria provided, single submitter. Criteria: Invitae Variant Classification Sherloc (09022015). Collection method: clinical testing. Allele origin: germline.
Comment: This sequence change replaces leucine, which is neutral and non-polar, with proline, which is neutral and non-polar, at codon 12 of the NUS1 protein (p.Leu12Pro). This variant is present in population databases (no rsID available, gnomAD 0.01%). This variant has not been reported in the literature in individuals affected with NUS1-related conditions. ClinVar contains an entry for this variant (Variation ID: 2062835). An algorithm developed to predict the effect of missense changes on protein structure and function outputs the following: PolyPhen-2: "Benign". The proline amino acid residue is found in multiple mammalian species, which suggests that this missense change does not adversely affect protein function. In summary, the available evidence is currently insufficient to determine the role of this variant in disease. Therefore, it has been classified as a Variant of Uncertain Significance.

Ambry Genetics
Classification: Uncertain significance for Inborn genetic diseases. Last evaluated: 2022-08-16. Review status: criteria provided, single submitter. Criteria: Ambry Variant Classification Scheme 2023. Collection method: clinical testing. Allele origin: germline.

NM_138459.5(NUS1):c.35T>C (p.Leu12Pro)

Gene: NUS1 (NUS1 dehydrodolichyl diphosphate synthase subunit; plus strand). Cytogenetic location: 6q22.1.
Variant type: single nucleotide variant.
Coding change: c.35T>C on transcript NM_138459.5 (MANE Select); coding-DNA position 35, T replaced by C.
Protein change: p.Leu12Pro; replaces leucine 12 with proline.
Molecular consequence: missense variant.
Genome position (GRCh38, 1-based): chr6:117,675,705, T>C. VCF-style: chr6-117675705-T-C. GRCh37 (hg19) VCF-style: chr6-117996868-T-C.
Other names: short protein forms L12P.
Identifiers: ClinVar variation 2062835 (VCV002062835.5), dbSNP rs1459946325, ClinGen allele CA365535761.